The following is an entry in ClinVar:

NM_001854.4(COL11A1):c.1573-1G>T

Gene: COL11A1 (collagen type XI alpha 1 chain; minus strand). Cytogenetic location: 1p21.1.
Variant type: single nucleotide variant.
Coding change: c.1573-1G>T on transcript NM_001854.4 (MANE Select); the canonical splice acceptor site of the intron before coding-DNA position 1573, G replaced by T.
Molecular consequence: splice acceptor variant.
Genome position (GRCh38, 1-based): chr1:103,012,470, C>A on the plus strand (G>T on the coding strand, the complement: COL11A1 is on the minus strand). VCF-style: chr1-103012470-C-A. GRCh37 (hg19) VCF-style: chr1-103478026-C-A.
Other names: c.1456-1G>T (NM_001190709.2); c.1609-1G>T (NM_080629.3); c.1225-1G>T (NM_080630.4).
Identifiers: ClinVar variation 1473443 (VCV001473443.8), dbSNP rs2101890748, ClinGen allele CA341177468.

ClinVar aggregate classification (germline): Likely pathogenic (1 of 4 stars; one submission).

Submission:

Labcorp Genetics (formerly Invitae), Labcorp
Classification: Likely pathogenic. Last evaluated: 2025-10-23. Review status: criteria provided, single submitter. Criteria: Invitae Variant Classification Sherloc (09022015). Collection method: clinical testing. Allele origin: germline.
Comment: This sequence change affects an acceptor splice site in intron 13 of the COL11A1 gene. It is expected to disrupt RNA splicing. Variants that disrupt the donor or acceptor splice site typically lead to a loss of protein function (PMID: 16199547), and loss-of-function variants in COL11A1 are known to be pathogenic (PMID: 20513134, 21035103, 23922384, 25240749, 32427345, 32756486). This variant is not present in population databases (gnomAD no frequency). This variant has not been reported in the literature in individuals affected with COL11A1-related conditions. ClinVar contains an entry for this variant (Variation ID: 1473443). Algorithms developed to predict the effect of sequence changes on RNA splicing suggest that this variant may disrupt the consensus splice site. In summary, the currently available evidence indicates that the variant is pathogenic, but additional data are needed to prove that conclusively. Therefore, this variant has been classified as Likely Pathogenic.

Literature cited by the submitters: PubMed 16199547; PubMed 20513134; PubMed 21035103; PubMed 23922384; PubMed 25240749; PubMed 32427345; PubMed 32756486.